The following is an entry in ClinVar:

ClinVar aggregate classification (germline): Benign/Likely benign. Review status: criteria provided, multiple submitters, no conflicts (2 of 4 stars). 9 submissions from 9 submitters: Benign (4); Likely benign (4). 1 of the submissions does not count toward it. Last evaluated 2026-02-04.

Conditions:
AGL-related disorder. Also called: AGL-related condition.
Glycogen storage disease type III (GSD3). Also called: FORBES DISEASE; Cori disease. Identifiers: Orphanet 366, MedGen C0017922, MONDO:0009291, OMIM 232400.

Allele frequency attached by ClinVar (database versions not stated): gnomAD 0.00530 and 0.00498; 1000 Genomes Project 0.00599; ESP Exome Variant Server 0.00669; 1000 Genomes Project 30x 0.00687; gnomAD exomes 0.00042 and 0.00120; ExAC 0.00154; TOPMed 0.00526.
gnomAD v4.1: 1,396 of 1,613,216 alleles (0.087%); highest among the groups gnomAD compares: African/African-American, 1.7%; 6 homozygotes.

Submissions (9):

Labcorp Genetics (formerly Invitae), Labcorp
Classification: Benign for Glycogen storage disease type III. Last evaluated: 2026-02-04. Review status: criteria provided, single submitter. Criteria: Invitae Variant Classification Sherloc (09022015). Collection method: clinical testing. Allele origin: germline.

Blueprint Genetics
Classification: Likely benign. Last evaluated: 2024-11-25. Review status: criteria provided, single submitter. Criteria: ACMG Guidelines, 2015. Collection method: clinical testing. Allele origin: germline.

Fulgent Genetics
Classification: Likely benign for Glycogen storage disease type III. Last evaluated: 2021-07-23. Review status: criteria provided, single submitter. Criteria: ACMG Guidelines, 2015. Collection method: clinical testing. Allele origin: unknown.

Genome-Nilou Lab
Classification: Benign for Glycogen storage disease type III. Last evaluated: 2021-07-15. Review status: criteria provided, single submitter. Criteria: ACMG Guidelines, 2015. Collection method: clinical testing. Allele origin: germline. Affected: no.

GeneDx
Classification: Benign. Last evaluated: 2019-11-14. Review status: criteria provided, single submitter. Criteria: GeneDx Variant Classification Process June 2021. Collection method: clinical testing. Allele origin: germline. Affected: yes.

Mayo Clinic Laboratories, Mayo Clinic
Classification: Benign. Last evaluated: 2019-02-28. Review status: criteria provided, single submitter. Criteria: ACMG Guidelines, 2015. Collection method: clinical testing. Allele origin: germline. Observed: 11 variant alleles.

Center for Pediatric Genomic Medicine, Children's Mercy Hospital and Clinics
Classification: Likely benign. Last evaluated: 2017-01-23. Review status: criteria provided, single submitter. Criteria: ACMG Guidelines, 2015. Collection method: clinical testing. Allele origin: germline.
ClinVar note: Converted during submission from Likely Benign to Likely benign.

Breakthrough Genomics
Classification: Likely benign. Review status: criteria provided, single submitter. Criteria: ACMG Guidelines, 2015. Collection method: not provided. Allele origin: germline. Inheritance: Autosomal recessive inheritance. Affected: yes.

PreventionGenetics, part of Exact Sciences
Classification: Benign for AGL-related condition. Last evaluated: 2019-09-17. Review status: no assertion criteria provided. Collection method: clinical testing. Allele origin: germline. Not counted in ClinVar's aggregate classification.
Comment: This variant is classified as benign based on ACMG/AMP sequence variant interpretation guidelines (Richards et al. 2015 PMID: 25741868, with internal and published modifications).

NM_000642.3(AGL):c.4430C>G (p.Thr1477Ser)

Gene: AGL (amylo-alpha-1,6-glucosidase and 4-alpha-glucanotransferase; plus strand). Cytogenetic location: 1p21.2.
Variant type: single nucleotide variant.
Coding change: c.4430C>G on transcript NM_000642.3 (MANE Select); coding-DNA position 4430, C replaced by G.
Protein change: p.Thr1477Ser; replaces threonine 1477 with serine.
Molecular consequence: missense variant.
Genome position (GRCh38, 1-based): chr1:99,916,680, C>G. VCF-style: chr1-99916680-C-G. GRCh37 (hg19) VCF-style: chr1-100382236-C-G.
Other names: p.Thr1477Ser; c.4430C>G, p.Thr1477Ser (NM_000028.3, NM_000643.3, NM_000644.3 and 1 more transcripts); c.4382C>G, p.Thr1461Ser (NM_000646.3); c.4409C>G, p.Thr1470Ser (NM_001425326.1); c.4229C>G, p.Thr1410Ser (NM_001425327.1); c.4226C>G, p.Thr1409Ser (NM_001425328.1); c.4091C>G, p.Thr1364Ser (NM_001425329.1); c.4052C>G, p.Thr1351Ser (NM_001425332.1); short protein forms T1477S, T1461S, T1351S, T1364S, T1409S, T1410S, T1470S.
Identifiers: ClinVar variation 377192 (VCV000377192.23), dbSNP rs78348923, ClinGen allele CA967437.